The following is an entry in ClinVar:

ClinVar aggregate classification (germline): Uncertain significance (1 of 4 stars; one submission).

Conditions:
Congenital myasthenic syndrome 4A. Also called: Myasthenic syndrome, congenital, 4a, slow-channel; CONGENITAL MYASTHENIC SYNDROME TYPE Ia1; MYASTHENIC SYNDROME, CONGENITAL, 4A, SLOW-CHANNEL, AUTOSOMAL RECESSIVE. Identifiers: Orphanet 590, MedGen C4225413, MONDO:0011600, OMIM 605809.

Submission:

Labcorp Genetics (formerly Invitae), Labcorp
Classification: Uncertain significance for Congenital myasthenic syndrome 4A. Last evaluated: 2021-08-24. Review status: criteria provided, single submitter. Criteria: Invitae Variant Classification Sherloc (09022015). Collection method: clinical testing. Allele origin: germline.
Comment: This sequence change replaces leucine with glutamine at codon 350 of the CHRNE protein (p.Leu350Gln). The leucine residue is moderately conserved and there is a moderate physicochemical difference between leucine and glutamine. The frequency data for this variant in the population databases is considered unreliable, as metrics indicate insufficient coverage at this position in the ExAC database. This variant has not been reported in the literature in individuals affected with CHRNE-related conditions. Algorithms developed to predict the effect of missense changes on protein structure and function are either unavailable or do not agree on the potential impact of this missense change (SIFT: "Deleterious"; PolyPhen-2: "Probably Damaging"; Align-GVGD: "Class C0"). In summary, the available evidence is currently insufficient to determine the role of this variant in disease. Therefore, it has been classified as a Variant of Uncertain Significance.

NM_000080.4(CHRNE):c.1049T>A (p.Leu350Gln)

Genes: CHRNE (cholinergic receptor nicotinic epsilon subunit; minus strand), LOC130060041 (ATAC-STARR-seq lymphoblastoid silent region 8050; plus strand). Cytogenetic location: 17p13.2.
Variant type: single nucleotide variant.
Coding change: c.1049T>A on transcript NM_000080.4 (MANE Select); coding-DNA position 1049, T replaced by A.
Protein change: p.Leu350Gln; replaces leucine 350 with glutamine.
Molecular consequence: missense variant.
Genome position (GRCh38, 1-based): chr17:4,899,368, A>T on the plus strand (T>A on the coding strand, the complement: CHRNE is on the minus strand). VCF-style: chr17-4899368-A-T. GRCh37 (hg19) VCF-style: chr17-4802663-A-T.
Other names: short protein forms L350Q.
Identifiers: ClinVar variation 952860 (VCV000952860.7), dbSNP rs1969864400, ClinGen allele CA397300708.